The following is an entry in ClinVar:

NM_004380.3(CREBBP):c.4554C>G (p.Asp1518Glu)

Gene: CREBBP (CREB binding lysine acetyltransferase; minus strand). Cytogenetic location: 16p13.3.
Variant type: single nucleotide variant.
Coding change: c.4554C>G on transcript NM_004380.3 (MANE Select); coding-DNA position 4554, C replaced by G.
Protein change: p.Asp1518Glu; replaces aspartic acid 1518 with glutamic acid.
Molecular consequence: missense variant.
Genome position (GRCh38, 1-based): chr16:3,736,656, G>C on the plus strand (C>G on the coding strand, the complement: CREBBP is on the minus strand). VCF-style: chr16-3736656-G-C. GRCh37 (hg19) VCF-style: chr16-3786657-G-C.
Other names: c.4440C>G, p.Asp1480Glu (NM_001079846.1); short protein forms D1480E, D1518E.
Identifiers: ClinVar variation 3027097 (VCV003027097.22), dbSNP rs2151329120, ClinGen allele CA394563275.

ClinVar aggregate classification (germline): Uncertain significance (1 of 4 stars; one submission).

Submission:

CeGaT Center for Human Genetics Tuebingen
Classification: Uncertain significance. Last evaluated: 2024-02-01. Review status: criteria provided, single submitter. Criteria: CeGaT Center For Human Genetics Tuebingen Variant Classification Criteria Version 2. Collection method: clinical testing. Allele origin: germline. Affected: yes. Observed: 1 variant allele.
Comment: CREBBP: PM2, PP2, PP3